The following is an entry in ClinVar:

NM_001332.4(CTNND2):c.282C>T (p.Ser94=)

Gene: CTNND2 (catenin delta 2; minus strand). Cytogenetic location: 5p15.2.
Variant type: single nucleotide variant.
Coding change: c.282C>T on transcript NM_001332.4 (MANE Select); coding-DNA position 282, C replaced by T.
Protein change: p.Ser94=; no amino-acid change (serine 94 retained).
Molecular consequence: synonymous variant. On other transcripts: 5 prime UTR variant (1), non-coding transcript variant (1).
Genome position (GRCh38, 1-based): chr5:11,564,949, G>A on the plus strand (C>T on the coding strand, the complement: CTNND2 is on the minus strand). VCF-style: chr5-11564949-G-A. GRCh37 (hg19) VCF-style: chr5-11565061-G-A.
Other names: c.9C>T, p.Ser3= (NM_001288715.1, NM_001288716.1, NM_001364128.2); c.-453C>T (NM_001288717.2).
Identifiers: ClinVar variation 791621 (VCV000791621.7), dbSNP rs146837334, ClinGen allele CA3201147.

ClinVar aggregate classification (germline): Benign/Likely benign. Review status: criteria provided, multiple submitters, no conflicts (2 of 4 stars). 4 submissions from 4 submitters: Benign (2); Likely benign (2). Last evaluated 2025-02-11.

Conditions:
CTNND2-related disorder. Also called: CTNND2-related condition.

Allele frequency attached by ClinVar (database versions not stated): gnomAD exomes 0.00010 and 0.00025; ExAC 0.00028; ESP Exome Variant Server 0.00062; gnomAD 0.00111 and 0.00120; 1000 Genomes Project 0.00120; 1000 Genomes Project 30x 0.00125; TOPMed 0.00125.
gnomAD v4.1: 335 of 1,612,270 alleles (0.021%); highest among the groups gnomAD compares: African/African-American, 0.39%; 1 homozygote.

Submissions (4):

PreventionGenetics, part of Exact Sciences
Classification: Likely benign for CTNND2-related condition. Last evaluated: 2025-02-11. Review status: criteria provided, single submitter. Criteria: ACMG Guidelines, 2015. Collection method: clinical testing. Allele origin: germline.
Comment: This variant is classified as likely benign based on ACMG/AMP sequence variant interpretation guidelines (Richards et al. 2015 PMID: 25741868, with internal and published modifications).

Blueprint Genetics
Classification: Likely benign. Last evaluated: 2024-11-20. Review status: criteria provided, single submitter. Criteria: ACMG Guidelines, 2015. Collection method: clinical testing. Allele origin: germline.

Labcorp Genetics (formerly Invitae), Labcorp
Classification: Benign. Last evaluated: 2019-12-31. Review status: criteria provided, single submitter. Criteria: Invitae Variant Classification Sherloc (09022015). Collection method: clinical testing. Allele origin: germline.

GeneDx
Classification: Benign. Last evaluated: 2019-10-17. Review status: criteria provided, single submitter. Criteria: GeneDx Variant Classification Process June 2021. Collection method: clinical testing. Allele origin: germline. Affected: yes.